The following is an entry in ClinVar:

NM_001024630.4(RUNX2):c.1156C>T (p.Arg386Cys)

Gene: RUNX2 (RUNX family transcription factor 2; plus strand). Cytogenetic location: 6p21.1.
Variant type: single nucleotide variant.
Coding change: c.1156C>T on transcript NM_001024630.4 (MANE Select); coding-DNA position 1156, C replaced by T.
Protein change: p.Arg386Cys; replaces arginine 386 with cysteine.
Molecular consequence: missense variant.
Genome position (GRCh38, 1-based): chr6:45,546,895, C>T. VCF-style: chr6-45546895-C-T. GRCh37 (hg19) VCF-style: chr6-45514632-C-T.
Other names: c.1090C>T, p.Arg364Cys (NM_001015051.4); c.1048C>T, p.Arg350Cys (NM_001278478.2); c.1114C>T, p.Arg372Cys (NM_001369405.1); short protein forms R350C, R364C, R372C, R386C.
Identifiers: ClinVar variation 1326783 (VCV001326783.6), dbSNP rs753780685, ClinGen allele CA3836582.

ClinVar aggregate classification (germline): Uncertain significance. Review status: criteria provided, multiple submitters, no conflicts (2 of 4 stars). 2 submissions from 2 submitters: Uncertain significance (2). Last evaluated 2024-08-12.

Allele frequency attached by ClinVar (database versions not stated): TOPMed below 0.00001; ExAC 0.00001; gnomAD 0.00001; gnomAD exomes 0.00001.
gnomAD v4.1: 8 of 1,613,884 alleles (0.0005%); highest among the groups gnomAD compares: Admixed American, 0.005%; no homozygotes.

Submissions (2):

Labcorp Genetics (formerly Invitae), Labcorp
Classification: Uncertain significance. Last evaluated: 2024-08-12. Review status: criteria provided, single submitter. Criteria: Invitae Variant Classification Sherloc (09022015). Collection method: clinical testing. Allele origin: germline.
Comment: This sequence change replaces arginine, which is basic and polar, with cysteine, which is neutral and slightly polar, at codon 386 of the RUNX2 protein (p.Arg386Cys). This variant is present in population databases (rs753780685, gnomAD 0.1%). This variant has not been reported in the literature in individuals affected with RUNX2-related conditions. ClinVar contains an entry for this variant (Variation ID: 1326783). An algorithm developed to predict the effect of missense changes on protein structure and function (PolyPhen-2) suggests that this variant is likely to be disruptive. In summary, the available evidence is currently insufficient to determine the role of this variant in disease. Therefore, it has been classified as a Variant of Uncertain Significance.

GeneDx
Classification: Uncertain significance. Last evaluated: 2021-05-26. Review status: criteria provided, single submitter. Criteria: GeneDx Variant Classification Process June 2021. Collection method: clinical testing. Allele origin: germline. Affected: yes.
Comment: In silico analysis supports that this missense variant has a deleterious effect on protein structure/function; Has not been previously published as pathogenic or benign to our knowledge